The following is an entry in ClinVar:

NM_001852.4(COL9A2):c.1322T>C (p.Val441Ala)

Gene: COL9A2 (collagen type IX alpha 2 chain; minus strand). Cytogenetic location: 1p34.2.
Variant type: single nucleotide variant.
Coding change: c.1322T>C on transcript NM_001852.4 (MANE Select); coding-DNA position 1322, T replaced by C.
Protein change: p.Val441Ala; replaces valine 441 with alanine.
Molecular consequence: missense variant.
Genome position (GRCh38, 1-based): chr1:40,304,065, A>G on the plus strand (T>C on the coding strand, the complement: COL9A2 is on the minus strand). VCF-style: chr1-40304065-A-G. GRCh37 (hg19) VCF-style: chr1-40769737-A-G.
Other names: short protein forms V441A.
Identifiers: ClinVar variation 2582856 (VCV002582856.28), dbSNP rs1164523172, ClinGen allele CA339880226.
Genomic context (GRCh38, chr1:40,304,065, plus strand): 5'-GGCGGCGGGGACGCAGAGCAGGGTTGGGGGTCGCTGGGAACAGGGGTGCTGGAACTCACC[A>G]CTTTGCCGCGGGGCCCGGTCTTCCCTGGGGAGCCCTGGAGAAAGCGGGCAGTGAGGGGTT-3'
Protein context (NP_001843.1, residues 431-451): SPGKTGPRGK[Val441Ala]GDPGVAGLPG

ClinVar aggregate classification (germline): Uncertain significance. Review status: criteria provided, multiple submitters, no conflicts (2 of 4 stars). 2 submissions from 2 submitters: Uncertain significance (2). Last evaluated 2024-05-09.

Allele frequency attached by ClinVar (database versions not stated): gnomAD exomes below 0.00001; TOPMed below 0.00001; gnomAD 0.00001.
gnomAD v4.1: 2 of 1,578,308 alleles (0.00013%); highest among the groups gnomAD compares: East Asian, 0.0023%; no homozygotes.

Submissions (2):

Labcorp Genetics (formerly Invitae), Labcorp
Classification: Uncertain significance. Last evaluated: 2024-05-09. Review status: criteria provided, single submitter. Criteria: Invitae Variant Classification Sherloc (09022015). Collection method: clinical testing. Allele origin: germline.
Comment: This sequence change replaces valine, which is neutral and non-polar, with alanine, which is neutral and non-polar, at codon 441 of the COL9A2 protein (p.Val441Ala). This variant is present in population databases (no rsID available, gnomAD 0.007%). This variant has not been reported in the literature in individuals affected with COL9A2-related conditions. ClinVar contains an entry for this variant (Variation ID: 2582856). Algorithms developed to predict the effect of missense changes on protein structure and function output the following: SIFT: "Not Available"; PolyPhen-2: "Benign"; Align-GVGD: "Not Available". The alanine amino acid residue is found in multiple mammalian species, which suggests that this missense change does not adversely affect protein function. In summary, the available evidence is currently insufficient to determine the role of this variant in disease. Therefore, it has been classified as a Variant of Uncertain Significance.

CeGaT Center for Human Genetics Tuebingen
Classification: Uncertain significance. Last evaluated: 2023-09-01. Review status: criteria provided, single submitter. Criteria: CeGaT Center For Human Genetics Tuebingen Variant Classification Criteria Version 2. Collection method: clinical testing. Allele origin: germline. Affected: yes. Observed: 1 variant allele.
Comment: COL9A2: PM2